The following is an entry in ClinVar:

NM_004329.3(BMPR1A):c.28T>G (p.Leu10Val)

Gene: BMPR1A (bone morphogenetic protein receptor type 1A; plus strand). Cytogenetic location: 10q23.2.
Variant type: single nucleotide variant.
Coding change: c.28T>G on transcript NM_004329.3 (MANE Select); coding-DNA position 28, T replaced by G.
Protein change: p.Leu10Val; replaces leucine 10 with valine.
Molecular consequence: missense variant. On other transcripts: 5 prime UTR variant (1), non-coding transcript variant (3), intron variant (4).
Genome position (GRCh38, 1-based): chr10:86,876,046, T>G. VCF-style: chr10-86876046-T-G. GRCh37 (hg19) VCF-style: chr10-88635803-T-G.
Other names: c.28T>G, p.Leu10Val (NM_001406559.1, NM_001406560.1, NM_001406561.1 and 23 more transcripts); c.-52T>G (NM_001406588.1); c.-17-14016T>G (NM_001406584.1, NM_001406587.1, NM_001406585.1); c.-12-14021T>G (NM_001406586.1); short protein forms L10V.
Identifiers: ClinVar variation 5032987 (VCV005032987.1).
Genomic context (GRCh38, chr10:86,876,046, plus strand): 5'-GTGACAGTACACAGGAAACATTACAATTGAACAATGCCTCAGCTATACATTTACATCAGA[T>G]TATTGGGAGCCTATTTGTTCATCATTTCTCGTGTTCAAGGTAAATCAGTGTTCATTTTAG-3'
Protein context (NP_004320.2, residues 1-20): MPQLYIYIR[Leu10Val]LGAYLFIISR

ClinVar aggregate classification (germline): Uncertain significance (1 of 4 stars; one submission).

Conditions:
Hereditary cancer-predisposing syndrome. Also called: Neoplastic Syndromes, Hereditary; Tumor predisposition; Hereditary neoplastic syndrome; Hereditary Cancer Syndrome. Identifiers: Orphanet 140162, MedGen C0027672, MeSH D009386, MONDO:0015356.

Submission:

Ambry Genetics
Classification: Uncertain significance for Hereditary cancer-predisposing syndrome. Last evaluated: 2026-07-06. Review status: criteria provided, single submitter. Criteria: Ambry Variant Classification Scheme 2023. Collection method: clinical testing. Allele origin: germline.
Comment: The p.L10V variant (also known as c.28T>G), located in coding exon 1 of the BMPR1A gene, results from a T to G substitution at nucleotide position 28. The leucine at codon 10 is replaced by valine, an amino acid with highly similar properties. This amino acid position is conserved. In addition, this alteration is predicted to be tolerated by in silico analysis. Based on the available evidence, the clinical significance of this variant remains unclear.